The following is an entry in ClinVar:

ClinVar aggregate classification (germline): Conflicting classifications of pathogenicity. Review status: criteria provided, conflicting classifications (1 of 4 stars). 7 submissions from 7 submitters: Uncertain significance (2); Benign (2); Likely benign (2). 1 of the submissions does not count toward it. Last evaluated 2025-12-24.

Conditions:
TRIOBP-related disorder. Also called: TRIOBP-related condition.
Autosomal recessive nonsyndromic hearing loss 28. Identifiers: Orphanet 90636, MedGen C1853276, MONDO:0012355, OMIM 609823.

Allele frequency attached by ClinVar (database versions not stated): 1000 Genomes Project 30x 0.00047; ESP Exome Variant Server 0.00057; TOPMed 0.00059; 1000 Genomes Project 0.00060; gnomAD exomes 0.00060 and 0.00082; gnomAD 0.00069 and 0.00073; ExAC 0.00085.
gnomAD v4.1: 1,062 of 1,612,540 alleles (0.066%); highest among the groups gnomAD compares: Middle Eastern, 1.6%; 7 homozygotes.

Submissions (7):

Labcorp Genetics (formerly Invitae), Labcorp
Classification: Benign. Last evaluated: 2025-12-24. Review status: criteria provided, single submitter. Criteria: Invitae Variant Classification Sherloc (09022015). Collection method: clinical testing. Allele origin: germline.

Blueprint Genetics
Classification: Likely benign. Last evaluated: 2024-11-27. Review status: criteria provided, single submitter. Criteria: ACMG Guidelines, 2015. Collection method: clinical testing. Allele origin: germline.

Women's Health and Genetics/Laboratory Corporation of America, LabCorp
Classification: Uncertain significance. Last evaluated: 2023-07-14. Review status: criteria provided, single submitter. Criteria: LabCorp Variant Classification Summary - May 2015. Collection method: clinical testing. Allele origin: germline.
Comment: Variant summary: TRIOBP c.2201C>T (p.Ser734Phe) results in a non-conservative amino acid change in the encoded protein sequence. Four of five in-silico tools predict a benign effect of the variant on protein function. The variant allele was found at a frequency of 0.00082 in 249556 control chromosomes in the gnomAD database, including 1 homozygotes. To our knowledge, no occurrence of c.2201C>T in individuals affected with Autosomal Recessive Nonsyndromic Hearing Loss 28 and no experimental evidence demonstrating its impact on protein function have been reported. Four submitters have cited clinical-significance assessments for this variant to ClinVar after 2014 and classified the variant as benign/likely benign (n=3) and VUS (n=1). Based on the evidence outlined above, the variant was classified as VUS-possibly benign.

Dubai Health Genomic Medicine Center, Dubai Health
Classification: Likely benign for Autosomal recessive nonsyndromic hearing loss 28. Last evaluated: 2020-02-26. Review status: criteria provided, single submitter. Criteria: ACMG Guidelines, 2015. Collection method: clinical testing. Allele origin: germline. Affected: yes.

ARUP Laboratories, Molecular Genetics and Genomics, ARUP Laboratories
Classification: Benign for Autosomal recessive nonsyndromic hearing loss 28. Last evaluated: 2018-08-01. Review status: criteria provided, single submitter. Criteria: ARUP Molecular Germline Variant Investigation Process. Collection method: clinical testing. Allele origin: germline.

Eurofins Ntd Llc (ga)
Classification: Uncertain significance. Last evaluated: 2016-08-26. Review status: criteria provided, single submitter. Criteria: EGL Classification Definitions 2015. Collection method: clinical testing. Allele origin: germline. Observed: 1 variant allele, 1 heterozygote.

PreventionGenetics, part of Exact Sciences
Classification: Benign for TRIOBP-related condition. Last evaluated: 2019-10-29. Review status: no assertion criteria provided. Collection method: clinical testing. Allele origin: germline. Not counted in ClinVar's aggregate classification.
Comment: This variant is classified as benign based on ACMG/AMP sequence variant interpretation guidelines (Richards et al. 2015 PMID: 25741868, with internal and published modifications).

NM_001039141.3(TRIOBP):c.2201C>T (p.Ser734Phe)

Gene: TRIOBP (TRIO and F-actin binding protein; plus strand). Cytogenetic location: 22q13.1.
Variant type: single nucleotide variant.
Coding change: c.2201C>T on transcript NM_001039141.3 (MANE Select); coding-DNA position 2201, C replaced by T.
Protein change: p.Ser734Phe; replaces serine 734 with phenylalanine.
Molecular consequence: missense variant.
Genome position (GRCh38, 1-based): chr22:37,724,757, C>T. VCF-style: chr22-37724757-C-T. GRCh37 (hg19) VCF-style: chr22-38120764-C-T.
Other names: short protein forms S734F.
Identifiers: ClinVar variation 290786 (VCV000290786.25), dbSNP rs199794705, ClinGen allele CA10223817.
Genomic context (GRCh38, chr22:37,724,757, plus strand): 5'-CCACCCAACAAGAGAACCCCAGAACATCCTGTGCCCGACGGGACAATCCCAGAGCCTCCT[C>T]TCGCAACAGAACCATCCAGCGAGACAACCCCAGAACATCCTGTGCCCAGCGGGACAATCC-3'
Protein context (NP_001034230.1, residues 724-744): CARRDNPRAS[Ser734Phe]RNRTIQRDNP